The following is an entry in ClinVar:

ClinVar aggregate classification (germline): Uncertain significance. Review status: criteria provided, multiple submitters, no conflicts (2 of 4 stars). 3 submissions from 3 submitters: Uncertain significance (2). 1 of the submissions does not count toward it. Last evaluated 2022-08-23.

Conditions:
Cohen syndrome (COH1). Also called: PEPPER SYNDROME; Cutis verticis gyrata, retinitis pigmentosa, and sensorineural deafness. Identifiers: Orphanet 193, MedGen C0265223, MONDO:0008999, OMIM 216550.

Allele frequency attached by ClinVar (database versions not stated): gnomAD 0.00001; ExAC 0.00002; ESP Exome Variant Server 0.00008.
gnomAD v4.1: 13 of 1,613,936 alleles (0.00081%); highest among the groups gnomAD compares: East Asian, 0.0022%; no homozygotes.

Submissions (3):

Labcorp Genetics (formerly Invitae), Labcorp
Classification: Uncertain significance for Cohen syndrome. Last evaluated: 2022-08-23. Review status: criteria provided, single submitter. Criteria: Invitae Variant Classification Sherloc (09022015). Collection method: clinical testing. Allele origin: germline.
Comment: This sequence change replaces valine, which is neutral and non-polar, with methionine, which is neutral and non-polar, at codon 591 of the VPS13B protein (p.Val591Met). The frequency data for this variant in the population databases is considered unreliable, as metrics indicate poor data quality at this position in the gnomAD database. This variant has not been reported in the literature in individuals affected with VPS13B-related conditions. ClinVar contains an entry for this variant (Variation ID: 844113). Algorithms developed to predict the effect of missense changes on protein structure and function are either unavailable or do not agree on the potential impact of this missense change (SIFT: "Not Available"; PolyPhen-2: "Possibly Damaging"; Align-GVGD: "Not Available"). In summary, the available evidence is currently insufficient to determine the role of this variant in disease. Therefore, it has been classified as a Variant of Uncertain Significance.

Blueprint Genetics
Classification: Uncertain significance. Last evaluated: 2022-08-19. Review status: criteria provided, single submitter. Criteria: ACMG Guidelines, 2015. Collection method: clinical testing. Allele origin: germline.

Natera, Inc.
Classification: Uncertain significance for Cohen syndrome. Last evaluated: 2021-01-21. Review status: no assertion criteria provided. Collection method: clinical testing. Allele origin: germline. Not counted in ClinVar's aggregate classification.

NM_152564.5(VPS13B):c.1771G>A (p.Val591Met)

Gene: VPS13B (vacuolar protein sorting 13 homolog B; plus strand). Cytogenetic location: 8q22.2.
Variant type: single nucleotide variant.
Coding change: c.1771G>A on transcript NM_152564.5 (MANE Select); coding-DNA position 1771, G replaced by A.
Protein change: p.Val591Met; replaces valine 591 with methionine.
Molecular consequence: missense variant.
Genome position (GRCh38, 1-based): chr8:99,143,093, G>A. VCF-style: chr8-99143093-G-A. GRCh37 (hg19) VCF-style: chr8-100155321-G-A.
Other names: c.1771G>A, p.Val591Met (NM_015243.3, NM_017890.5); short protein forms V591M.
Identifiers: ClinVar variation 844113 (VCV000844113.7), dbSNP rs372593334, ClinGen allele CA4822737.